The following is an entry in ClinVar:

ClinVar aggregate classification (germline): Uncertain significance (1 of 4 stars; one submission).

Conditions:
Moyamoya disease 2 (MYMY2). Also called: MOYAMOYA DISEASE 2, SUSCEPTIBILITY TO. Identifiers: Orphanet 2573, MedGen C1846689, MONDO:0011784, OMIM 607151.

Submission:

Baylor Genetics
Classification: Uncertain significance for Moyamoya disease 2. Last evaluated: 2018-12-26. Review status: criteria provided, single submitter. Criteria: ACMG Guidelines, 2015. Collection method: clinical testing. Allele origin: maternal. Affected: yes.
Comment: This variant was determined to be of uncertain significance according to ACMG Guidelines, 2015 [PMID:25741868].

NM_001256071.3(RNF213):c.13997C>T (p.Thr4666Ile)

Genes: RNF213 (ring finger protein 213; plus strand), RNF213-AS1 (RNF213 antisense RNA 1; minus strand). Cytogenetic location: 17q25.3.
Variant type: single nucleotide variant.
Coding change: c.13997C>T on transcript NM_001256071.3 (MANE Select); coding-DNA position 13997, C replaced by T.
Protein change: p.Thr4666Ile; replaces threonine 4666 with isoleucine.
Molecular consequence: missense variant.
Genome position (GRCh38, 1-based): chr17:80,382,997, C>T. VCF-style: chr17-80382997-C-T. GRCh37 (hg19) VCF-style: chr17-78356797-C-T.
Other names: short protein forms T4666I.
Identifiers: ClinVar variation 1033794 (VCV001033794.1), dbSNP rs2080083465, ClinGen allele CA401378077.